The following is an entry in ClinVar:

ClinVar aggregate classification (germline): Likely benign (1 of 4 stars; one submission).

Allele frequency attached by ClinVar (database versions not stated): 1000 Genomes Project 0.00200; 1000 Genomes Project 30x 0.00203; TOPMed 0.00272; gnomAD 0.00545 and 0.00560.
gnomAD v4.1: 4,486 of 733,068 alleles (0.61%); highest among the groups gnomAD compares: Non-Finnish European, 0.62%; 44 homozygotes.

Submission:

GeneDx
Classification: Likely benign. Last evaluated: 2018-06-14. Review status: criteria provided, single submitter. Criteria: GeneDx Variant Classification (06012015). Collection method: clinical testing. Allele origin: germline. Affected: yes.
Comment: This variant is considered likely benign or benign based on one or more of the following criteria: it is a conservative change, it occurs at a poorly conserved position in the protein, it is predicted to be benign by multiple in silico algorithms, and/or has population frequency not consistent with disease.

NM_005465.7(AKT3):c.627+123G>A

Gene: AKT3 (AKT serine/threonine kinase 3; minus strand). Cytogenetic location: 1q44.
Variant type: single nucleotide variant.
Coding change: c.627+123G>A on transcript NM_005465.7 (MANE Select); 123 bases into the intron after coding-DNA position 627, G replaced by A.
Molecular consequence: intron variant.
Genome position (GRCh38, 1-based): chr1:243,614,973, C>T on the plus strand (G>A on the coding strand, the complement: AKT3 is on the minus strand). VCF-style: chr1-243614973-C-T. GRCh37 (hg19) VCF-style: chr1-243778275-C-T.
Other names: c.627+123G>A (NM_181690.2, NM_001370074.1, NM_001206729.2).
Identifiers: ClinVar variation 678376 (VCV000678376.1), dbSNP rs147853297, ClinGen allele CA41030703.